The following is an entry in ClinVar:

NM_000520.6(HEXA):c.175_176dup (p.Val60fs)

Gene: HEXA (hexosaminidase subunit alpha; minus strand). Cytogenetic location: 15q23.
Variant type: Duplication.
Coding change: c.175_176dup on transcript NM_000520.6 (MANE Select); coding-DNA positions 175 to 176, 2 bases duplicated (TC; older notation c.175_176dupTC).
Protein change: p.Val60fs; shifts the reading frame from valine 60.
Molecular consequence: frameshift variant. On other transcripts: non-coding transcript variant (1).
Genome position (GRCh38, 1-based): chr15:72,375,797-72,375,798, GA duplicated on the plus strand (TC on the coding strand, the reverse complement: HEXA is on the minus strand); duplicating any 2 consecutive bases within chr15:72,375,797-72,375,799 gives the same sequence; the c. name uses the placement nearest the transcript's 3' end. VCF-style (leftmost placement, unchanged base first): chr15-72375796-T-TGA. GRCh37 (hg19) VCF-style: chr15-72668137-T-TGA.
Other names: c.175_176dup, p.Val60fs (NM_001318825.2); short protein forms V60fs.
Identifiers: ClinVar variation 4814254 (VCV004814254.1).
Genomic context (GRCh38, chr15:72,375,796, plus strand): 5'-GGGCCAAGACCCGGAACCGAAAAGCAGGTCACGATAGCGCTGGAAGGCCTCGTCGAGGAC[T>TGA]GAGCAGCCGGGCTGCGCGGCCGAGCTGACATCGTACTGGAATTGAAAGTTGTTCGGGTAA-3'

ClinVar aggregate classification (germline): Likely pathogenic (1 of 4 stars; one submission).

Conditions:
Tay-Sachs disease (TSD). Also called: HEXA DEFICIENCY; HEXA Disorders; GM2 gangliosidosis, type 1; Hexosaminidase alpha-subunit deficiency (variant B); Sphingolipidosis, Tay-Sachs; Hexosaminidase A Deficiency. Identifiers: Orphanet 845, MedGen C0039373, MONDO:0010100, OMIM 272800.

Submission:

Natera, Inc.
Classification: Likely pathogenic for Tay-Sachs disease. Last evaluated: 2024-08-23. Review status: criteria provided, single submitter. Criteria: Natera Variant Classification Schema (03/2026). Collection method: clinical testing. Allele origin: germline.
Comment: The c.175_176dup variant in HEXA is a frameshift variant predicted to shift the reading frame beginning at codon 60 and leads to a stop codon 41 codons downstream. This variant is expected to result in nonsense mediated decay, truncation, or a dysfunctional protein product. This variant is rare in the general population with a frequency below the threshold expected for the associated phenotype(s). Given the available evidence, this variant is classified as Likely Pathogenic.